The following is an entry in ClinVar:

ClinVar aggregate classification (germline): Pathogenic (1 of 4 stars; one submission).

Conditions:
Spastic paraplegia. Identifiers: MedGen C0037772, HP:0001258.

Submission:

Labcorp Genetics (formerly Invitae), Labcorp
Classification: Pathogenic for Spastic paraplegia. Last evaluated: 2024-03-20. Review status: criteria provided, single submitter. Criteria: Invitae Variant Classification Sherloc (09022015). Collection method: clinical testing. Allele origin: germline.
Comment: This sequence change inserts a large fragment of DNA, likely a transposable element, in exon 10 of the SACS gene (c.8445_8446ins?), causing a frameshift at codon 2816 (p.Thr2816fs). The exact size and sequence of the insertion cannot be determined by the current assay. However, the insertion is expected to result in an absent or disrupted protein product. This variant is not present in population databases (gnomAD no frequency). This variant has not been reported in the literature in individuals affected with SACS-related conditions. This variant disrupts a region of the SACS protein in which other variant(s) (p.Asn4549Asp) have been determined to be pathogenic (PMID: 15156359, 21507954). This suggests that this is a clinically significant region of the protein, and that variants that disrupt it are likely to be disease-causing. Retrotransposon insertions including LINE1 (L1), Alu, and SVA (SINE-VNTR-Alu) have been reported to disrupt protein function (PMID: 19763152, 20307669, 22406018). However the effect of this particular variant is unknown. For these reasons, this variant has been classified as Pathogenic.

Literature cited by the submitters: PubMed 15156359; PubMed 21507954; PubMed 19763152; PubMed 20307669; PubMed 22406018.

NM_014363.6(SACS):c.8445_8446insTTTTTTTTTTTTTTTTTTTTNNNNNNNNNNCTCGTGATCCGCCCGCCTCGGCCTCCCAAAGTGCTGGGATTACAGGCGTGAGCCACCGCGCCCGGCCTGAAGGAAATCTT (p.Thr2816delinsPhePhePhePhePhePheXaaXaaXaaXaaLeuValIleArgProProArgProProLysValLeuGlyLeuGlnAlaTer)

Gene: SACS (sacsin molecular chaperone; minus strand). Cytogenetic location: 13q12.12.
Variant type: Insertion.
Coding change: c.8445_8446insTTTTTTTTTTTTTTTTTTTTNNNNNNNNNNCTCGTGATCCGCCCGCCTCGGCCTCCCAAAGTGCTGGGATTACAGGCGTGAGCCACCGCGCCCGGCCTGAAGGAAATCTT on transcript NM_014363.6 (MANE Select); coding-DNA positions 8445 to 8446, TTTTTTTTTTTTTTTTTTTTNNNNNNNNNNCTCGTGATCCGCCCGCCTCGGCCTCCCAAAGTGCTGGGATTACAGGCGTGAGCCACCGCGCCCGGCCTGAAGGAAATCTT inserted.
Protein change: p.Thr2816delinsPhePhePhePhePhePheXaaXaaXaaXaaLeuValIleArgProProArgProProLysValLeuGlyLeuGlnAlaTer.
Molecular consequence: nonsense.
Genome position: GRCh38: chr13:23,335,444-23,335,445. GRCh37 (hg19): chr13:23,909,583-23,909,584.
Other names: c.8004_8005insTTTTTTTTTTTTTTTTTTTTNNNNNNNNNNCTCGTGATCCGCCCGCCTCGGCCTCCCAAAGTGCTGGGATTACAGGCGTGAGCCACCGCGCCCGGCCTGAAGGAAATCTT, p.Thr2669delinsPhePhePhePhePhePheXaaXaaXaaXaaLeuValIleArgProProArgProProLysValLeuGlyLeuGlnAlaTer (NM_001278055.2).
Identifiers: ClinVar variation 3647081 (VCV003647081.2).